The following is an entry in ClinVar:

ClinVar aggregate classification (germline): Uncertain significance (1 of 4 stars; one submission).

Conditions:
Hereditary cancer-predisposing syndrome. Also called: Neoplastic Syndromes, Hereditary; Tumor predisposition; Hereditary Cancer Syndrome; Hereditary neoplastic syndrome. Identifiers: Orphanet 140162, MedGen C0027672, MeSH D009386, MONDO:0015356.

Submission:

Ambry Genetics
Classification: Uncertain significance for Hereditary cancer-predisposing syndrome. Last evaluated: 2025-11-11. Review status: criteria provided, single submitter. Criteria: Ambry Variant Classification Scheme 2023. Collection method: clinical testing. Allele origin: germline.
Comment: The p.Y215C variant (also known as c.644A>G), located in coding exon 6 of the EPCAM gene, results from an A to G substitution at nucleotide position 644. The tyrosine at codon 215 is replaced by cysteine, an amino acid with highly dissimilar properties. This amino acid position is conserved. In addition, this alteration is predicted to be deleterious by in silico analysis. Based on the available evidence, the clinical significance of this variant remains unclear.

NM_002354.3(EPCAM):c.644A>G (p.Tyr215Cys)

Gene: EPCAM (epithelial cell adhesion molecule; plus strand). Cytogenetic location: 2p21.
Variant type: single nucleotide variant.
Coding change: c.644A>G on transcript NM_002354.3 (MANE Select); coding-DNA position 644, A replaced by G.
Protein change: p.Tyr215Cys; replaces tyrosine 215 with cysteine.
Molecular consequence: missense variant.
Genome position (GRCh38, 1-based): chr2:47,379,041, A>G. VCF-style: chr2-47379041-A-G. GRCh37 (hg19) VCF-style: chr2-47606180-A-G.
Other names: short protein forms Y215C.
Identifiers: ClinVar variation 4640459 (VCV004640459.1).